The following is an entry in ClinVar:

NM_005633.4(SOS1):c.3392G>A (p.Arg1131Lys)

Gene: SOS1 (SOS Ras/Rac guanine nucleotide exchange factor 1; minus strand). Cytogenetic location: 2p22.1.
Variant type: single nucleotide variant.
Coding change: c.3392G>A on transcript NM_005633.4 (MANE Select); coding-DNA position 3392, G replaced by A.
Protein change: p.Arg1131Lys; replaces arginine 1131 with lysine.
Molecular consequence: missense variant.
Genome position (GRCh38, 1-based): chr2:38,987,591, C>T on the plus strand (G>A on the coding strand, the complement: SOS1 is on the minus strand). VCF-style: chr2-38987591-C-T. GRCh37 (hg19) VCF-style: chr2-39214732-C-T.
Other names: c.3371G>A, p.Arg1124Lys (NM_001382394.1); c.3347G>A, p.Arg1116Lys (NM_001382395.1); short protein forms R1131K, R1116K, R1124K.
Identifiers: ClinVar variation 40728 (VCV000040728.20), dbSNP rs768113420, ClinGen allele CA1624182.

ClinVar aggregate classification (germline): Uncertain significance. Review status: criteria provided, multiple submitters, no conflicts (2 of 4 stars). 10 submissions from 9 submitters: Uncertain significance (9). 1 of the submissions does not count toward it. Last evaluated 2026-07-09.

Conditions:
SOS1-related disorder. Also called: SOS1-related condition.
Cardiovascular phenotype. Identifiers: MedGen CN230736.
RASopathy. Also called: rasopathies; Noonan spectrum disorder. Identifiers: Orphanet 536391, MedGen C5555857, MONDO:0021060.
Fibromatosis, gingival, 1 (GINGF1). Identifiers: Orphanet 2024, MedGen C4551558, MONDO:0007609, OMIM 135300.
Noonan syndrome 4 (NS4). Also called: SOS1-Related Noonan Syndrome; NOONAN SYNDROME WITH PIGMENTED VILLONODULAR SYNOVITIS. Identifiers: Orphanet 648, MedGen C1853120, MONDO:0012547, OMIM 610733.
Noonan syndrome (NS). Also called: Noonan's syndrome. Identifiers: Orphanet 648, MedGen C0028326, MeSH D009634, MONDO:0018997. Disease mechanism: gain of function.

Allele frequency attached by ClinVar (database versions not stated): ExAC 0.00002; gnomAD exomes 0.00002; gnomAD 0.00004; TOPMed 0.00005.
gnomAD v4.1: 57 of 1,411,822 alleles (0.004%); highest among the groups gnomAD compares: Middle Eastern, 0.018%; no homozygotes.

Submissions (10):

PreventionGenetics, part of Exact Sciences
Classification: Uncertain significance for SOS1-related condition. Last evaluated: 2026-07-09. Review status: criteria provided, single submitter. Criteria: ACMG Guidelines, 2015. Collection method: clinical testing. Allele origin: germline.
Comment: The SOS1 c.3392G>A variant is predicted to result in the amino acid substitution p.Arg1131Lys. This variant was reported in an individual with prostate cancer (Table S8, Liang et al. 2022. PubMed ID: 36095024). This variant is reported in 0.0056% of alleles in individuals of East Asian descent in gnomAD. At this time, the clinical significance of this variant is uncertain due to the absence of conclusive functional and genetic evidence.

Labcorp Genetics (formerly Invitae), Labcorp
Classification: Uncertain significance for RASopathy. Last evaluated: 2026-01-19. Review status: criteria provided, single submitter. Criteria: Invitae Variant Classification Sherloc (09022015). Collection method: clinical testing. Allele origin: germline.
Comment: This sequence change replaces arginine, which is basic and polar, with lysine, which is basic and polar, at codon 1131 of the SOS1 protein (p.Arg1131Lys). This variant is present in population databases (rs768113420, gnomAD 0.006%). This missense change has been observed in individual(s) with clinical features of SOS1-related conditions (PMID: 21387466). ClinVar contains an entry for this variant (Variation ID: 40728). An algorithm developed to predict the effect of missense changes on protein structure and function (PolyPhen-2) suggests that this variant is likely to be tolerated. Experimental studies have shown that this missense change affects SOS1 function (PMID: 29074966). In summary, the available evidence is currently insufficient to determine the role of this variant in disease. Therefore, it has been classified as a Variant of Uncertain Significance.

Ambry Genetics
Classification: Uncertain significance for Cardiovascular phenotype. Last evaluated: 2025-06-30. Review status: criteria provided, single submitter. Criteria: Ambry Variant Classification Scheme 2023. Collection method: clinical testing. Allele origin: germline.
Comment: The p.R1131K variant (also known as c.3392G>A) is located in coding exon 22 of the SOS1 gene. The arginine at codon 1131 is replaced by lysine, an amino acid with highly similar properties. This change occurs in the first base pair of coding exon 22. This alteration has been reported in a cohort of individuals with Noonan syndrome, cardiofaciocutaneous syndrome, or congenital heart defects; however clinical details were limited (Lepri F et al. Hum Mutat, 2011 Jul;32:760-72). This amino acid position is highly conserved in available vertebrate species. In addition, the in silico prediction for this alteration is inconclusive. Since supporting evidence is limited at this time, the clinical significance of this alteration remains unclear.

Revvity Omics, Revvity
Classification: Uncertain significance. Last evaluated: 2024-02-17. Review status: criteria provided, single submitter. Criteria: ACMG Guidelines, 2015. Collection method: clinical testing. Allele origin: germline.

GeneDx
Classification: Uncertain significance. Last evaluated: 2023-12-21. Review status: criteria provided, single submitter. Criteria: GeneDx Variant Classification Process June 2021. Collection method: clinical testing. Allele origin: germline. Affected: yes.
Comment: Identified in association with Noonan syndrome; however, detailed clinical information and segregation data were not provided (PMID: 21387466); In silico analysis supports that this missense variant does not alter protein structure/function; Functional studies indicate that this variant results in increased affinity of the protein product for the plasma membrane and subsequent excessive RAS signaling (PMID: 29074966); Missense variants in this gene are a common cause of disease and they are underrepresented in the general population; This variant is associated with the following publications: (PMID: 21387466, 32753483, 36095024, 29493581, 33665062, 29074966)

Women's Health and Genetics/Laboratory Corporation of America, LabCorp
Classification: Uncertain significance. Last evaluated: 2023-09-26. Review status: criteria provided, single submitter. Criteria: LabCorp Variant Classification Summary - May 2015. Collection method: clinical testing. Allele origin: germline.
Comment: Variant summary: SOS1 c.3392G>A (p.Arg1131Lys) is located near a canonical splice site and results in a conservative amino acid change in the encoded protein sequence. Four of five in-silico tools predict a benign effect of the variant on protein function. Consensus agreement among computation tools predict no significant impact on normal splicing. However, these predictions have yet to be confirmed by functional studies. The variant allele was found at a frequency of 1.7e-05 in 238676 control chromosomes (gnomAD). The available data on variant occurrences in the general population are insufficient to allow any conclusion about variant significance. c.3392G>A has been reported in the literature in an individual who was either affected with Noonan Syndrome or had features suggestive of Noonan Syndrome, however clinical details and family history/segregation data were not provided (Lepri_2011). These report does not provide unequivocal conclusions about association of the variant with Noonan Syndrome. In a functional study, the variant was found to have an increased affinity for the plasma membrane compared to the wild type protein and was associated with an increase in RAS signalling (Nakamura_2017), however, these findings do not necessarily allow for strong conclusions about the variant effect. The following publications have been ascertained in the context of this evaluation (PMID: 21387466, 29074966). Five submitters have cited clinical-significance assessments for this variant to ClinVar after 2014. All submitters classified the variant as uncertain significance. Based on the evidence outlined above, the variant was classified as uncertain significance.

Fulgent Genetics
Classification: Uncertain significance for Fibromatosis, gingival, 1; Noonan syndrome 4. Last evaluated: 2021-10-12. Review status: criteria provided, single submitter. Criteria: ACMG Guidelines, 2015. Collection method: clinical testing. Allele origin: unknown.

Genome-Nilou Lab
Classification: Uncertain significance for Noonan syndrome 4. Review status: criteria provided, single submitter. Criteria: ACMG Guidelines, 2015. Collection method: clinical testing. Allele origin: germline.

Genome-Nilou Lab
Classification: Uncertain significance for Fibromatosis, gingival, 1. Review status: criteria provided, single submitter. Criteria: ACMG Guidelines, 2015. Collection method: clinical testing. Allele origin: germline.

Clinical Molecular Genetics Laboratory, Johns Hopkins All Children's Hospital
Classification: Uncertain significance for Noonan syndrome. Last evaluated: 2016-06-07. Review status: no assertion criteria provided. Collection method: clinical testing. Allele origin: germline. Affected: yes. Not counted in ClinVar's aggregate classification.

Literature cited by the submitters: PubMed 21387466 (cited by 3 submitters); PubMed 29074966 (cited by Labcorp Genetics (formerly Invitae), Labcorp and Women's Health and Genetics/Laboratory Corporation of America, LabCorp).